The following is an entry in ClinVar:

NM_002857.4(PEX19):c.152_155delinsG (p.Gln51_Lys52delinsArg)

Gene: PEX19 (peroxisomal biogenesis factor 19; minus strand). Cytogenetic location: 1q23.2.
Variant type: Indel.
Coding change: c.152_155delinsG on transcript NM_002857.4 (MANE Select); coding-DNA positions 152 to 155, AGAA replaced by G.
Protein change: p.Gln51_Lys52delinsArg.
Molecular consequence: inframe indel. On other transcripts: non-coding transcript variant (1).
Genome position (GRCh38, 1-based): chr1:160,283,555-160,283,558, TTCT replaced by C on the plus strand (AGAA replaced by G on the coding strand, the reverse complement: PEX19 is on the minus strand). VCF-style: chr1-160283555-TTCT-C. GRCh37 (hg19) VCF-style: chr1-160253345-TTCT-C.
Other names: c.152_155delinsG, p.Gln51_Lys52delinsArg (NM_001193644.1).
Identifiers: ClinVar variation 1321423 (VCV001321423.1), dbSNP rs2101805710, ClinGen allele CA2573051402.

ClinVar aggregate classification (germline): Uncertain significance (1 of 4 stars; one submission).

Submission:

Women's Health and Genetics/Laboratory Corporation of America, LabCorp
Classification: Uncertain significance. Last evaluated: 2021-10-25. Review status: criteria provided, single submitter. Criteria: LabCorp Variant Classification Summary - May 2015. Collection method: clinical testing. Allele origin: germline.
Comment: Variant summary: PEX19 c.152_155delinsG (p.Gln51_Lys52delinsArg) results in an in-frame deletion-insertion that is predicted to delete two amino acids from the protein and also cause changes in one amino acid. The variant was absent in 251310 control chromosomes (gnomAD). The available data on variant occurrences in the general population are insufficient to allow any conclusion about variant significance. To our knowledge, no occurrence of c.152_155delinsG in individuals affected with Peroxisome Biogenesis Disorders, Zellweger Syndrome Spectrum and no experimental evidence demonstrating its impact on protein function have been reported. No clinical diagnostic laboratories have submitted clinical-significance assessments for this variant to ClinVar after 2014. Based on the evidence outlined above, the variant was classified as uncertain significance.